The following is an entry in ClinVar:

ClinVar aggregate classification (germline): Uncertain significance (1 of 4 stars; one submission).

gnomAD v4.1: 2 of 1,614,050 alleles (0.00012%); highest among the groups gnomAD compares: Non-Finnish European, 0.00017%; no homozygotes.

Submission:

Labcorp Genetics (formerly Invitae), Labcorp
Classification: Uncertain significance. Last evaluated: 2022-04-25. Review status: criteria provided, single submitter. Criteria: Invitae Variant Classification Sherloc (09022015). Collection method: clinical testing. Allele origin: germline.
Comment: In summary, the available evidence is currently insufficient to determine the role of this variant in disease. Therefore, it has been classified as a Variant of Uncertain Significance. Algorithms developed to predict the effect of missense changes on protein structure and function are either unavailable or do not agree on the potential impact of this missense change (SIFT: "Deleterious"; PolyPhen-2: "Probably Damaging"; Align-GVGD: "Class C0"). This variant has not been reported in the literature in individuals affected with SORL1-related conditions. This variant is not present in population databases (gnomAD no frequency). This sequence change replaces histidine, which is basic and polar, with leucine, which is neutral and non-polar, at codon 1939 of the SORL1 protein (p.His1939Leu).

NM_003105.6(SORL1):c.5816A>T (p.His1939Leu)

Gene: SORL1 (sortilin related receptor 1; plus strand). Cytogenetic location: 11q24.1.
Variant type: single nucleotide variant.
Coding change: c.5816A>T on transcript NM_003105.6 (MANE Select); coding-DNA position 5816, A replaced by T.
Protein change: p.His1939Leu; replaces histidine 1939 with leucine.
Molecular consequence: missense variant.
Genome position (GRCh38, 1-based): chr11:121,619,844, A>T. VCF-style: chr11-121619844-A-T. GRCh37 (hg19) VCF-style: chr11-121490553-A-T.
Other names: short protein forms H1939L.
Identifiers: ClinVar variation 1957249 (VCV001957249.5), dbSNP rs1863696522, ClinGen allele CA383043476.